The following is an entry in ClinVar:

NM_001367624.2(ZNF469):c.5443C>G (p.Pro1815Ala)

Gene: ZNF469 (zinc finger protein 469; plus strand). Cytogenetic location: 16q24.2.
Variant type: single nucleotide variant.
Coding change: c.5443C>G on transcript NM_001367624.2 (MANE Select); coding-DNA position 5443, C replaced by G.
Protein change: p.Pro1815Ala; replaces proline 1815 with alanine.
Molecular consequence: missense variant.
Genome position (GRCh38, 1-based): chr16:88,432,913, C>G. VCF-style: chr16-88432913-C-G. GRCh37 (hg19) VCF-style: chr16-88499321-C-G.
Other names: short protein forms P1815A.
Identifiers: ClinVar variation 2094950 (VCV002094950.4), dbSNP rs2507590486, ClinGen allele CA397100508.

ClinVar aggregate classification (germline): Uncertain significance (1 of 4 stars; one submission).

Submission:

Labcorp Genetics (formerly Invitae), Labcorp
Classification: Uncertain significance. Last evaluated: 2026-01-12. Review status: criteria provided, single submitter. Criteria: Invitae Variant Classification Sherloc (09022015). Collection method: clinical testing. Allele origin: germline.
Comment: This sequence change replaces proline, which is neutral and non-polar, with alanine, which is neutral and non-polar, at codon 1787 of the ZNF469 protein (p.Pro1787Ala). This variant is not present in population databases (gnomAD no frequency). This variant has not been reported in the literature in individuals affected with ZNF469-related conditions. ClinVar contains an entry for this variant (Variation ID: 2094950). An algorithm developed to predict the effect of missense changes on protein structure and function (PolyPhen-2) suggests that this variant is likely to be tolerated. In summary, the available evidence is currently insufficient to determine the role of this variant in disease. Therefore, it has been classified as a Variant of Uncertain Significance.